The following is an entry in ClinVar:

NM_001267550.2(TTN):c.95032T>G (p.Cys31678Gly)

Genes: TTN (titin; minus strand), TTN-AS1 (TTN antisense RNA 1; plus strand). Cytogenetic location: 2q31.2.
Variant type: single nucleotide variant.
Coding change: c.95032T>G on transcript NM_001267550.2 (MANE Select); coding-DNA position 95032, T replaced by G.
Protein change: p.Cys31678Gly; replaces cysteine 31678 with glycine.
Molecular consequence: missense variant.
Genome position (GRCh38, 1-based): chr2:178,546,299, A>C on the plus strand (T>G on the coding strand, the complement: TTN is on the minus strand). VCF-style: chr2-178546299-A-C. GRCh37 (hg19) VCF-style: chr2-179411026-A-C.
Other names: c.90109T>G, p.Cys30037Gly (NM_001256850.1); c.67837T>G, p.Cys22613Gly (NM_003319.4); c.87328T>G, p.Cys29110Gly (NM_133378.4); c.68212T>G, p.Cys22738Gly (NM_133432.3); c.68413T>G, p.Cys22805Gly (NM_133437.4); short protein forms C30037G, C31678G, C29110G, C22613G, C22805G, C22738G.
Identifiers: ClinVar variation 423780 (VCV000423780.2), dbSNP rs2555818, ClinGen allele CA16617336.
Genomic context (GRCh38, chr2:178,546,299, plus strand): 5'-CCTTGGTCCCGCTGGCATTTTTCACTGTTAAAGTGTATTTTCCACTGTCACTTCTGTCAC[A>C]GAACTTGATCACAGCAGTTGCTCGTTTGCCAGTATACTGCAAAGAGACTTTTTCACAGAG-3'
Protein context (NP_001254479.2, residues 31668-31688): GKRATAVIKF[Cys31678Gly]DRSDSGKYTL

ClinVar aggregate classification (germline): Likely pathogenic (1 of 4 stars; one submission).

Submission:

GeneDx
Classification: Likely pathogenic. Last evaluated: 2017-02-23. Review status: criteria provided, single submitter. Criteria: GeneDx Variant Classification (06012015). Collection method: clinical testing. Allele origin: germline. Affected: yes.
Comment: The C29110G variant in the TTN gene has not been reported previously as a pathogenic variant, nor as a benign variant, to our knowledge. The C29110G variant is not observed in large population cohorts (Lek et al., 2016; 1000 Genomes Consortium et al., 2015; Exome Variant Server). The C29110G variant is a non-conservative amino acid substitution, which is likely to impact secondary protein structure as these residues differ in polarity, charge, size and/or other properties. In addition, this substitution is located near the 119th fibronectin domain and occurs at a position that is conserved across species. In silico analysis predicts this variant is probably damaging to the protein structure/function. The C29110G variant is a strong candidate for a pathogenic variant, however the possibility it may be a rare benign variant cannot be excluded.